The following is an entry in ClinVar:

NM_004385.5(VCAN):c.5587G>A (p.Glu1863Lys)

Genes: VCAN (versican; plus strand), VCAN-AS1 (VCAN antisense RNA 1; minus strand). Cytogenetic location: 5q14.3.
Variant type: single nucleotide variant.
Coding change: c.5587G>A on transcript NM_004385.5 (MANE Select); coding-DNA position 5587, G replaced by A.
Protein change: p.Glu1863Lys; replaces glutamic acid 1863 with lysine.
Molecular consequence: missense variant. On other transcripts: intron variant (2).
Genome position (GRCh38, 1-based): chr5:83,538,590, G>A. VCF-style: chr5-83538590-G-A. GRCh37 (hg19) VCF-style: chr5-82834409-G-A.
Other names: c.2626G>A, p.Glu876Lys (NM_001164097.2); c.4004-6947G>A (NM_001164098.2); c.1043-6947G>A (NM_001126336.3); short protein forms E1863K, E876K.
Identifiers: ClinVar variation 1489489 (VCV001489489.9), dbSNP rs775843686, ClinGen allele CA3333353.
Genomic context (GRCh38, chr5:83,538,590, plus strand): 5'-GACCCAGAAACCACCACTGTTTCTTCATTTTCATTAAACGTAGAGTATGCAATTCAAGCC[G>A]AAAAGGAAGTAGCTGGCACTTTGTCTCCGCATGTGGAAACTACATTCTCCACTGAGCCAA-3'
Protein context (NP_004376.2, residues 1853-1873): SLNVEYAIQA[Glu1863Lys]KEVAGTLSPH

ClinVar aggregate classification (germline): Conflicting classifications of pathogenicity. Review status: criteria provided, conflicting classifications (1 of 4 stars). 2 submissions from 2 submitters: Uncertain significance (1); Likely benign (1). Last evaluated 2023-04-17.

Allele frequency attached by ClinVar (database versions not stated): gnomAD exomes below 0.00001 and 0.00002; ExAC 0.00001; gnomAD 0.00001; TOPMed 0.00003.
gnomAD v4.1: 28 of 1,613,874 alleles (0.0017%); highest among the groups gnomAD compares: East Asian, 0.016%; no homozygotes.

Submissions (2):

Blueprint Genetics
Classification: Likely benign. Last evaluated: 2023-04-17. Review status: criteria provided, single submitter. Criteria: ACMG Guidelines, 2015. Collection method: clinical testing. Allele origin: germline.

Labcorp Genetics (formerly Invitae), Labcorp
Classification: Uncertain significance. Last evaluated: 2022-09-07. Review status: criteria provided, single submitter. Criteria: Invitae Variant Classification Sherloc (09022015). Collection method: clinical testing. Allele origin: germline.
Comment: This sequence change replaces glutamic acid, which is acidic and polar, with lysine, which is basic and polar, at codon 1863 of the VCAN protein (p.Glu1863Lys). This variant is present in population databases (rs775843686, gnomAD 0.004%). This variant has not been reported in the literature in individuals affected with VCAN-related conditions. ClinVar contains an entry for this variant (Variation ID: 1489489). Algorithms developed to predict the effect of missense changes on protein structure and function output the following: SIFT: "Tolerated"; PolyPhen-2: "Benign"; Align-GVGD: "Class C0". The lysine amino acid residue is found in multiple mammalian species, which suggests that this missense change does not adversely affect protein function. In summary, the available evidence is currently insufficient to determine the role of this variant in disease. Therefore, it has been classified as a Variant of Uncertain Significance.